The following is an entry in ClinVar:

NM_007289.4(MME):c.1579C>T (p.Arg527Ter)

Gene: MME (membrane metalloendopeptidase; plus strand). Cytogenetic location: 3q25.2.
Variant type: single nucleotide variant.
Coding change: c.1579C>T on transcript NM_007289.4 (MANE Select); coding-DNA position 1579, C replaced by T.
Protein change: p.Arg527Ter; replaces arginine 527 with a stop codon.
Molecular consequence: nonsense.
Genome position (GRCh38, 1-based): chr3:155,148,631, C>T. VCF-style: chr3-155148631-C-T. GRCh37 (hg19) VCF-style: chr3-154866420-C-T.
Other names: c.1579C>T, p.Arg527Ter (NM_000902.5, NM_001354642.2, NM_001354643.1 and 2 more transcripts); short protein forms R527*.
Identifiers: ClinVar variation 624034 (VCV000624034.45), dbSNP rs781376762, ClinGen allele CA2675557.

ClinVar aggregate classification (germline): Pathogenic/Likely pathogenic. Review status: criteria provided, multiple submitters, no conflicts (2 of 4 stars). 2 submissions from 2 submitters: Pathogenic (1); Likely pathogenic (1). Last evaluated 2023-05-01.

Conditions:
Charcot-Marie-Tooth disease axonal type 2T. Identifiers: Orphanet 443950, MedGen C4015635, OMIM 617017, MONDO:0014866.

Allele frequency attached by ClinVar (database versions not stated): gnomAD exomes below 0.00001 and 0.00001; ExAC 0.00001; gnomAD 0.00001.
gnomAD v4.1: 17 of 1,612,188 alleles (0.0011%); highest among the groups gnomAD compares: African/African-American, 0.0013%; no homozygotes.

Submissions (2):

CeGaT Center for Human Genetics Tuebingen
Classification: Pathogenic. Last evaluated: 2023-05-01. Review status: criteria provided, single submitter. Criteria: CeGaT Center For Human Genetics Tuebingen Variant Classification Criteria Version 2. Collection method: clinical testing. Allele origin: germline. Affected: yes. Observed: 2 variant alleles.
Comment: MME: PVS1, PM2, PM3, PP4

Juno Genomics, Hangzhou Juno Genomics, Inc
Classification: Likely pathogenic for Charcot-Marie-Tooth disease axonal type 2T. Review status: criteria provided, single submitter. Criteria: ACMG Guidelines, 2015. Collection method: clinical testing. Allele origin: germline.
Comment: Null variant in a gene where loss of function (LOF) is a known mechanism of disease.;Absent from controls (or at extremely low frequency if recessive) in Genome Aggregation Database.